The following is an entry in ClinVar:

ClinVar aggregate classification (germline): Likely pathogenic (1 of 4 stars; one submission).

Conditions:
Hemochromatosis type 3 (HFE3). Also called: HEMOCHROMATOSIS DUE TO DEFECT IN TRANSFERRIN RECEPTOR 2; Hereditary hemochromatosis type 3; TFR2-Related Hemochromatosis. Identifiers: Orphanet 225123, MedGen C1858664, MONDO:0011417, OMIM 604250.

Submission:

Natera, Inc.
Classification: Likely pathogenic for Hereditary hemochromatosis type 3. Last evaluated: 2025-11-17. Review status: criteria provided, single submitter. Criteria: Natera Variant Classification Schema (03/2026). Collection method: clinical testing. Allele origin: germline.
Comment: The c.1844_1847del variant in TFR2 is a frameshift variant predicted to shift the reading frame beginning at codon 615 and leads to a stop codon 54 codons downstream. This variant is expected to result in nonsense mediated decay, truncation, or a dysfunctional protein product. This variant is rare in the general population with a frequency below the threshold expected for the associated phenotype(s). Given the available evidence, this variant is classified as Likely Pathogenic.

NM_003227.4(TFR2):c.1844_1847del (p.Leu615fs)

Gene: TFR2 (transferrin receptor 2; minus strand). Cytogenetic location: 7q22.1.
Variant type: Deletion.
Coding change: c.1844_1847del on transcript NM_003227.4 (MANE Select); coding-DNA positions 1844 to 1847, 4 bases deleted (TGCC; older notation c.1844_1847delTGCC).
Protein change: p.Leu615fs; shifts the reading frame from leucine 615.
Molecular consequence: frameshift variant.
Genome position (GRCh38, 1-based): chr7:100,627,412-100,627,415, GGCA deleted on the plus strand (TGCC on the coding strand, the reverse complement: TFR2 is on the minus strand); deleting any 4 consecutive bases within chr7:100,627,412-100,627,418 gives the same sequence; the c. name uses the placement nearest the transcript's 3' end. VCF-style (leftmost placement, unchanged base first): chr7-100627411-GGGCA-G. GRCh37 (hg19) VCF-style: chr7-100225034-GGGCA-G.
Other names: c.1331_1334del, p.Leu444fs (NM_001206855.3); short protein forms L444fs, L615fs.
Identifiers: ClinVar variation 4815097 (VCV004815097.1).